The following is an entry in ClinVar:

NM_201253.3(CRB1):c.2957A>T (p.Asn986Ile)

Gene: CRB1 (crumbs cell polarity complex component 1; plus strand). Cytogenetic location: 1q31.3.
Variant type: single nucleotide variant.
Coding change: c.2957A>T on transcript NM_201253.3 (MANE Select); coding-DNA position 2957, A replaced by T.
Protein change: p.Asn986Ile; replaces asparagine 986 with isoleucine.
Molecular consequence: missense variant. On other transcripts: non-coding transcript variant (2), intron variant (1).
Genome position (GRCh38, 1-based): chr1:197,434,820, A>T. VCF-style: chr1-197434820-A-T. GRCh37 (hg19) VCF-style: chr1-197403950-A-T.
Other names: c.2621A>T, p.Asn874Ile (NM_001193640.2); c.2885A>T, p.Asn962Ile (NM_001257965.2); c.2129-780A>T (NM_001257966.2); short protein forms N874I, N962I, N986I.
Identifiers: ClinVar variation 3629830 (VCV003629830.1).

ClinVar aggregate classification (germline): Conflicting classifications of pathogenicity. Review status: criteria provided, conflicting classifications (1 of 4 stars). 2 submissions from 2 submitters: Likely pathogenic (1); Uncertain significance (1). Last evaluated 2025-12-12.

Conditions:
Retinitis pigmentosa 12 (RP12). Also called: RP WITH OR WITHOUT PPRPE; RP WITH OR WITHOUT PRESERVED PARAARTERIOLE RETINAL PIGMENT EPITHELIUM; RETINITIS PIGMENTOSA WITH OR WITHOUT PARAARTERIOLAR PRESERVATION OF RETINAL PIGMENT EPITHELIUM. Identifiers: Orphanet 791, MedGen C1838647, MONDO:0010818, OMIM 600105.

Submissions (2):

Research Institute for Ophthalmology and Vision Science, Shahid Beheshti University of Medical Sciences
Classification: Likely pathogenic for Retinitis pigmentosa 12. Last evaluated: 2025-12-12. Review status: criteria provided, single submitter. Criteria: ACMG Guidelines, 2015. Collection method: research. Allele origin: inherited. Inheritance: Autosomal recessive inheritance. Affected: yes.
Comment: NM_201253.3(CRB1):c.2957A>T is not present in gnomAD databases. It has been observed in a homozygous state in patients and co-segregates with the disease in affected family members. Computational prediction tools identified it as deleterious. It is a missense variant in CRB1 that has a low rate of benign missense mutations.

Women's Health and Genetics/Laboratory Corporation of America, LabCorp
Classification: Uncertain significance. Last evaluated: 2024-11-04. Review status: criteria provided, single submitter. Criteria: LabCorp Variant Classification Summary - May 2015. Collection method: clinical testing. Allele origin: germline.
Comment: Variant summary: CRB1 c.2957A>T (p.Asn986Ile) results in a non-conservative amino acid change in the encoded protein sequence. Four of five in-silico tools predict a damaging effect of the variant on protein function. The variant was absent in 250630 control chromosomes. The available data on variant occurrences in the general population are insufficient to allow any conclusion about variant significance. c.2957A>T has been reported in the literature in a compound heterozygous individual affected with retinitis pigmentosa (RP) with preserved paraarteriolar retinal pigment epithelium (PPRPE) (den Hollander_2004). These data do not allow any conclusion about variant significance. To our knowledge, no experimental evidence demonstrating an impact on protein function has been reported. The following publication have been ascertained in the context of this evaluation (PMID: 15459956). No submitters have cited clinical-significance assessments for this variant to ClinVar. Based on the evidence outlined above, the variant was classified as uncertain significance.

Literature cited by the submitters: PubMed 15459956 (cited by Women's Health and Genetics/Laboratory Corporation of America, LabCorp).